The following is an entry in ClinVar:

ClinVar aggregate classification (germline): Likely benign (1 of 4 stars; one submission).

Allele frequency attached by ClinVar (database versions not stated): 1000 Genomes Project 30x 0.00531; 1000 Genomes Project 0.00599; gnomAD 0.00854 and 0.00862; TOPMed 0.00883.
gnomAD v4.1: 1,371 of 152,026 alleles (0.9%); highest among the groups gnomAD compares: South Asian, 2.3%; 5 homozygotes.

Submission:

GeneDx
Classification: Likely benign. Last evaluated: 2018-06-14. Review status: criteria provided, single submitter. Criteria: GeneDx Variant Classification (06012015). Collection method: clinical testing. Allele origin: germline. Affected: yes.
Comment: This variant is considered likely benign or benign based on one or more of the following criteria: it is a conservative change, it occurs at a poorly conserved position in the protein, it is predicted to be benign by multiple in silico algorithms, and/or has population frequency not consistent with disease.

NM_006514.4(SCN10A):c.1291-310C>T

Gene: SCN10A (sodium voltage-gated channel alpha subunit 10; minus strand). Cytogenetic location: 3p22.2.
Variant type: single nucleotide variant.
Coding change: c.1291-310C>T on transcript NM_006514.4 (MANE Select); 310 bases into the intron before coding-DNA position 1291, C replaced by T.
Molecular consequence: intron variant.
Genome position (GRCh38, 1-based): chr3:38,756,268, G>A on the plus strand (C>T on the coding strand, the complement: SCN10A is on the minus strand). VCF-style: chr3-38756268-G-A. GRCh37 (hg19) VCF-style: chr3-38797759-G-A.
Other names: c.1291-310C>T (NM_001293307.2, NM_001293306.2).
Identifiers: ClinVar variation 672865 (VCV000672865.1), dbSNP rs149284340, ClinGen allele CA72990689.
Genomic context (GRCh38, chr3:38,756,268, plus strand): 5'-GCTTGCATGGCAGCAGCTGATGGCTCATACTTGCAGCATTCTACAAAAAAAGTCTCTTTT[G>A]GCTGCCTGCTTCTGGGATAGGTATGGGGAGGGTAAAAAAAAAAAGCTGGCCCCCTTGCCT-3'